The following is an entry in ClinVar:

NM_000548.5(TSC2):c.3815T>C (p.Val1272Ala)

Gene: TSC2 (TSC complex subunit 2; plus strand). Cytogenetic location: 16p13.3.
Variant type: single nucleotide variant.
Coding change: c.3815T>C on transcript NM_000548.5 (MANE Select); coding-DNA position 3815, T replaced by C.
Protein change: p.Val1272Ala; replaces valine 1272 with alanine.
Molecular consequence: missense variant. On other transcripts: intron variant (6).
Genome position (GRCh38, 1-based): chr16:2,082,436, T>C. VCF-style: chr16-2082436-T-C. GRCh37 (hg19) VCF-style: chr16-2132437-T-C.
Other names: c.3083T>C, p.Val1028Ala (NM_001318831.2); c.3683T>C, p.Val1228Ala (NM_001370404.1, NM_001406665.1); c.3686T>C, p.Val1229Ala (NM_001370405.1, NM_021055.3); c.3812T>C, p.Val1271Ala (NM_001406663.1); c.3215T>C, p.Val1072Ala (NM_001406680.1); c.2342T>C, p.Val781Ala (NM_001406690.1); c.2339T>C, p.Val780Ala (NM_001406691.1); c.3814+638T>C (NM_001114382.3); and 5 more; short protein forms V1271A, V780A, V1072A, V1272A, V1228A, V1229A, V1028A, V781A.
Identifiers: ClinVar variation 1735196 (VCV001735196.7), dbSNP rs1319528505, ClinGen allele CA394294765.

ClinVar aggregate classification (germline): Uncertain significance. Review status: criteria provided, multiple submitters, no conflicts (2 of 4 stars). 2 submissions from 2 submitters: Uncertain significance (2). Last evaluated 2022-03-07.

Conditions:
Tuberous sclerosis 2 (TSC2). Identifiers: Orphanet 805, MedGen C1860707, MONDO:0013199, OMIM 613254.
Hereditary cancer-predisposing syndrome. Also called: Neoplastic Syndromes, Hereditary; Tumor predisposition; Hereditary Cancer Syndrome; Hereditary neoplastic syndrome. Identifiers: Orphanet 140162, MedGen C0027672, MeSH D009386, MONDO:0015356.

Submissions (2):

Ambry Genetics
Classification: Uncertain significance for Hereditary cancer-predisposing syndrome. Last evaluated: 2022-03-07. Review status: criteria provided, single submitter. Criteria: Ambry Variant Classification Scheme 2023. Collection method: clinical testing. Allele origin: germline.
Comment: The p.V1272A variant (also known as c.3815T>C) is located in coding exon 31 of the TSC2 gene. The valine at codon 1272 is replaced by alanine, an amino acid with similar properties. This change occurs in the first base pair of coding exon 31. This amino acid position is conserved. In addition, the in silico prediction for this alteration is inconclusive. Since supporting evidence is limited at this time, the clinical significance of this alteration remains unclear.

Labcorp Genetics (formerly Invitae), Labcorp
Classification: Uncertain significance for Tuberous sclerosis 2. Last evaluated: 2022-02-18. Review status: criteria provided, single submitter. Criteria: Invitae Variant Classification Sherloc (09022015). Collection method: clinical testing. Allele origin: germline.
Comment: In summary, the available evidence is currently insufficient to determine the role of this variant in disease. Therefore, it has been classified as a Variant of Uncertain Significance. Algorithms developed to predict the effect of missense changes on protein structure and function are either unavailable or do not agree on the potential impact of this missense change (SIFT: "Deleterious"; PolyPhen-2: "Probably Damaging"; Align-GVGD: "Class C0"). This variant has not been reported in the literature in individuals affected with TSC2-related conditions. This variant is not present in population databases (gnomAD no frequency). This sequence change replaces valine, which is neutral and non-polar, with alanine, which is neutral and non-polar, at codon 1272 of the TSC2 protein (p.Val1272Ala).